The following is an entry in ClinVar:

NM_007294.4(BRCA1):c.2891G>A (p.Gly964Glu)

Gene: BRCA1 (BRCA1 DNA repair associated; minus strand). Cytogenetic location: 17q21.31.
Variant type: single nucleotide variant.
Coding change: c.2891G>A on transcript NM_007294.4 (MANE Select); coding-DNA position 2891, G replaced by A.
Protein change: p.Gly964Glu; replaces glycine 964 with glutamic acid.
Molecular consequence: missense variant. On other transcripts: intron variant (137).
Genome position (GRCh38, 1-based): chr17:43,092,640, C>T on the plus strand (G>A on the coding strand, the complement: BRCA1 is on the minus strand). VCF-style: chr17-43092640-C-T. GRCh37 (hg19) VCF-style: chr17-41244657-C-T.
Other names: c.788-1608G>A (NM_007298.4, NM_001407978.1, NM_001407979.1 and 17 more transcripts); c.2681G>A, p.Gly894Glu (NM_001407902.1, NM_001407904.1, NM_001407906.1 and 13 more transcripts); c.644-1608G>A (NM_001408462.1, NM_001408470.1, NM_001408464.1 and 3 more transcripts); c.710-1608G>A (NM_001408414.1, NM_001408411.1, NM_001408415.1 and 2 more transcripts); c.578-1608G>A (NM_001408514.1, NM_001408485.1, NM_001408483.1 and 9 more transcripts); c.662-1608G>A (NM_001408447.1, NM_001408433.1, NM_001408446.1 and 6 more transcripts); c.785-1608G>A (NM_001408400.1, NM_001408392.1, NM_001407972.1 and 13 more transcripts); c.665-1608G>A (NM_001408441.1, NM_001408437.1, NM_001408429.1 and 12 more transcripts); and 41 more; short protein forms G917E, G964E, G875E, G894E, G922E, G961E, G963E, G836E.
Identifiers: ClinVar variation 821951 (VCV000821951.10), dbSNP rs1597866960, ClinGen allele CA10596209.

ClinVar aggregate classification (germline): Conflicting classifications of pathogenicity. Review status: criteria provided, conflicting classifications (1 of 4 stars). 3 submissions from 3 submitters: Uncertain significance (1); Likely benign (2). Last evaluated 2023-03-23.

Conditions:
Hereditary cancer-predisposing syndrome. Also called: Tumor predisposition; Hereditary Cancer Syndrome; Neoplastic Syndromes, Hereditary; Hereditary neoplastic syndrome. Identifiers: Orphanet 140162, MedGen C0027672, MeSH D009386, MONDO:0015356.

Allele frequency attached by ClinVar (database versions not stated): gnomAD exomes below 0.00001.
gnomAD v4.1: 1 of 1,614,038 alleles (0.000062%); highest among the groups gnomAD compares: Admixed American, 0.0017%; no homozygotes.

Submissions (3):

University of Washington Department of Laboratory Medicine, University of Washington
Classification: Likely benign for Hereditary cancer-predisposing syndrome. Last evaluated: 2023-03-23. Review status: criteria provided, single submitter. Criteria: Dines et al. (Genet Med. 2020). Collection method: curation. Allele origin: germline.
Comment: Missense variant in a coldspot region where missense variants are very unlikely to be pathogenic (PMID:31911673).

BRCA1 coldspot (exon 11 using historical exon numbering). Reclassification based on statistical prior probability

Color Diagnostics, LLC DBA Color Health
Classification: Uncertain significance for Hereditary cancer-predisposing syndrome. Last evaluated: 2020-11-23. Review status: criteria provided, single submitter. Criteria: ACMG Guidelines, 2015. Collection method: clinical testing. Allele origin: germline.
Comment: This missense variant replaces glycine with glutamic acid at codon 964 of the BRCA1 protein. Computational prediction suggests that this variant may not impact protein structure and function (internally defined REVEL score threshold <= 0.5, PMID: 27666373). To our knowledge, functional studies have not been reported for this variant. This variant has not been reported in individuals affected with hereditary cancer in the literature. This variant has not been identified in the general population by the Genome Aggregation Database (gnomAD). The available evidence is insufficient to determine the role of this variant in disease conclusively. Therefore, this variant is classified as a Variant of Uncertain Significance.

Ambry Genetics
Classification: Likely benign for Hereditary cancer-predisposing syndrome. Last evaluated: 2019-10-29. Review status: criteria provided, single submitter. Criteria: Ambry Variant Classification Scheme 2023. Collection method: clinical testing. Allele origin: germline.